The following is an entry in ClinVar:

ClinVar aggregate classification (germline): not provided (0 of 4 stars; one submission).

Allele frequency attached by ClinVar (database versions not stated): 1000 Genomes Project 30x 0.00047; gnomAD 0.00386 and 0.00373; gnomAD exomes 0.00462; 1000 Genomes Project 0.00040; TOPMed 0.00262.
gnomAD v4.1: 3,558 of 808,262 alleles (0.44%); highest among the groups gnomAD compares: Non-Finnish European, 0.49%; 20 homozygotes.

Submission:

Human Evolutionary Genetics, Institut Pasteur
No classification provided. Review status: no classification provided. Collection method: not provided. Allele origin: germline.
ClinVar note: Converted during submission from untested to not provided.

NM_001199138.2(NLRC4):c.2782+102T>C

Gene: NLRC4 (NLR family CARD domain containing 4; minus strand). Cytogenetic location: 2p22.3.
Variant type: single nucleotide variant.
Coding change: c.2782+102T>C on transcript NM_001199138.2 (MANE Select); 102 bases into the intron after coding-DNA position 2782, T replaced by C.
Molecular consequence: intron variant.
Genome position (GRCh38, 1-based): chr2:32,235,299, A>G on the plus strand (T>C on the coding strand, the complement: NLRC4 is on the minus strand). VCF-style: chr2-32235299-A-G. GRCh37 (hg19) VCF-style: chr2-32460368-A-G.
Other names: c.787+102T>C (NM_001302504.1); c.2782+102T>C (NM_021209.4, NM_001199139.1).
Identifiers: ClinVar variation 103081 (VCV000103081.2), dbSNP rs199476299, ClinGen allele CA230090.